The following is an entry in ClinVar:

ClinVar aggregate classification (germline): Uncertain significance (1 of 4 stars; one submission).

Submission:

GeneDx
Classification: Uncertain significance. Last evaluated: 2019-09-05. Review status: criteria provided, single submitter. Criteria: GeneDx Variant Classification Process June 2021. Collection method: clinical testing. Allele origin: germline. Affected: yes.
Comment: Not observed in large population cohorts (Lek et al., 2016); In silico analysis, which includes protein predictors and evolutionary conservation, supports that this variant does not alter protein structure/function; Has not been previously published as pathogenic or benign to our knowledge

NM_000834.5(GRIN2B):c.2692A>T (p.Ile898Phe)

Gene: GRIN2B (glutamate ionotropic receptor NMDA type subunit 2B; minus strand). Cytogenetic location: 12p13.1.
Variant type: single nucleotide variant.
Coding change: c.2692A>T on transcript NM_000834.5 (MANE Select); coding-DNA position 2692, A replaced by T.
Protein change: p.Ile898Phe; replaces isoleucine 898 with phenylalanine.
Molecular consequence: missense variant.
Genome position (GRCh38, 1-based): chr12:13,564,546, T>A on the plus strand (A>T on the coding strand, the complement: GRIN2B is on the minus strand). VCF-style: chr12-13564546-T-A. GRCh37 (hg19) VCF-style: chr12-13717480-T-A.
Other names: short protein forms I898F.
Identifiers: ClinVar variation 1309221 (VCV001309221.2), dbSNP rs2136406285, ClinGen allele CA383994255.